The following is an entry in ClinVar:

NM_173630.4(RTTN):c.2753C>A (p.Ser918Ter)

Gene: RTTN (rotatin; minus strand). Cytogenetic location: 18q22.2.
Variant type: single nucleotide variant.
Coding change: c.2753C>A on transcript NM_173630.4 (MANE Select); coding-DNA position 2753, C replaced by A.
Protein change: p.Ser918Ter; replaces serine 918 with a stop codon.
Molecular consequence: nonsense.
Genome position (GRCh38, 1-based): chr18:70,139,634, G>T on the plus strand (C>A on the coding strand, the complement: RTTN is on the minus strand). VCF-style: chr18-70139634-G-T. GRCh37 (hg19) VCF-style: chr18-67806870-G-T.
Other names: c.17C>A, p.Ser6Ter (NM_001318520.2); short protein forms S6*, S918*.
Identifiers: ClinVar variation 817544 (VCV000817544.3), dbSNP rs759249497, ClinGen allele CA402691134.

ClinVar aggregate classification (germline): Pathogenic (1 of 4 stars; one submission).

Submission:

GeneDx
Classification: Pathogenic. Last evaluated: 2021-09-07. Review status: criteria provided, single submitter. Criteria: GeneDx Variant Classification Process June 2021. Collection method: clinical testing. Allele origin: germline. Affected: yes.
Comment: Nonsense variant predicted to result in protein truncation or nonsense mediated decay in a gene for which loss-of-function is a known mechanism of disease; Not observed at significant frequency in large population cohorts (Lek et al., 2016); Has not been previously published as pathogenic or benign to our knowledge